The following is an entry in ClinVar:

ClinVar aggregate classification (germline): Uncertain significance (1 of 4 stars; one submission).

Submission:

Labcorp Genetics (formerly Invitae), Labcorp
Classification: Uncertain significance. Last evaluated: 2024-01-22. Review status: criteria provided, single submitter. Criteria: Invitae Variant Classification Sherloc (09022015). Collection method: clinical testing. Allele origin: germline.
Comment: This sequence change replaces isoleucine, which is neutral and non-polar, with threonine, which is neutral and polar, at codon 276 of the TUBA8 protein (p.Ile276Thr). This variant is not present in population databases (gnomAD no frequency). This variant has not been reported in the literature in individuals affected with TUBA8-related conditions. Advanced modeling of protein sequence and biophysical properties (such as structural, functional, and spatial information, amino acid conservation, physicochemical variation, residue mobility, and thermodynamic stability) performed at Invitae indicates that this missense variant is not expected to disrupt TUBA8 protein function with a negative predictive value of 80%. In summary, the available evidence is currently insufficient to determine the role of this variant in disease. Therefore, it has been classified as a Variant of Uncertain Significance.

NM_018943.3(TUBA8):c.827T>C (p.Ile276Thr)

Gene: TUBA8 (tubulin alpha 8; plus strand). Cytogenetic location: 22q11.21.
Variant type: single nucleotide variant.
Coding change: c.827T>C on transcript NM_018943.3 (MANE Select); coding-DNA position 827, T replaced by C.
Protein change: p.Ile276Thr; replaces isoleucine 276 with threonine.
Molecular consequence: missense variant.
Genome position (GRCh38, 1-based): chr22:18,126,805, T>C. VCF-style: chr22-18126805-T-C. GRCh37 (hg19) VCF-style: chr22-18609572-T-C.
Other names: c.629T>C, p.Ile210Thr (NM_001193414.2); short protein forms I210T, I276T.
Identifiers: ClinVar variation 2959320 (VCV002959320.3), dbSNP rs767278774, ClinGen allele CA410264454.